The following is an entry in ClinVar:

ClinVar aggregate classification (germline): Uncertain significance (1 of 4 stars; one submission).

Conditions:
Hereditary cancer-predisposing syndrome. Also called: Tumor predisposition; Hereditary neoplastic syndrome; Hereditary Cancer Syndrome; Neoplastic Syndromes, Hereditary. Identifiers: Orphanet 140162, MedGen C0027672, MeSH D009386, MONDO:0015356.

Submission:

Ambry Genetics
Classification: Uncertain significance for Hereditary cancer-predisposing syndrome. Last evaluated: 2025-05-01. Review status: criteria provided, single submitter. Criteria: Ambry Variant Classification Scheme 2023. Collection method: clinical testing. Allele origin: germline.
Comment: The p.G411D variant (also known as c.1232G>A), located in coding exon 9 of the SDHA gene, results from a G to A substitution at nucleotide position 1232. The glycine at codon 411 is replaced by aspartic acid, an amino acid with similar properties. This amino acid position is highly conserved in available vertebrate species. In addition, this alteration is predicted to be deleterious by in silico analysis. Based on the available evidence, the clinical significance of this variant remains unclear.

NM_004168.4(SDHA):c.1232G>A (p.Gly411Asp)

Gene: SDHA (succinate dehydrogenase complex flavoprotein subunit A; plus strand). Cytogenetic location: 5p15.33.
Variant type: single nucleotide variant.
Coding change: c.1232G>A on transcript NM_004168.4 (MANE Select); coding-DNA position 1232, G replaced by A.
Protein change: p.Gly411Asp; replaces glycine 411 with aspartic acid.
Molecular consequence: missense variant.
Genome position (GRCh38, 1-based): chr5:235,311, G>A. VCF-style: chr5-235311-G-A. GRCh37 (hg19) VCF-style: chr5-235426-G-A.
Other names: c.1088G>A, p.Gly363Asp (NM_001294332.2); c.1232G>A, p.Gly411Asp (NM_001330758.2); short protein forms G363D, G411D.
Identifiers: ClinVar variation 3951322 (VCV003951322.1).